The following is an entry in ClinVar:

NM_006904.7(PRKDC):c.11033G>C (p.Gly3678Ala)

Gene: PRKDC (protein kinase, DNA-activated, catalytic subunit; minus strand). Cytogenetic location: 8q11.21.
Variant type: single nucleotide variant.
Coding change: c.11033G>C on transcript NM_006904.7 (MANE Select); coding-DNA position 11033, G replaced by C.
Protein change: p.Gly3678Ala; replaces glycine 3678 with alanine.
Molecular consequence: missense variant.
Genome position (GRCh38, 1-based): chr8:47,785,187, C>G on the plus strand (G>C on the coding strand, the complement: PRKDC is on the minus strand). VCF-style: chr8-47785187-C-G. GRCh37 (hg19) VCF-style: chr8-48697748-C-G.
Other names: c.11033G>C, p.Gly3678Ala (NM_001081640.2); short protein forms G3678A.
Identifiers: ClinVar variation 1792905 (VCV001792905.2), dbSNP rs2551860896, ClinGen allele CA371131044.
Genomic context (GRCh38, chr8:47,785,187, plus strand): 5'-TCATTTCTCAGGAACTCCACTTTGAAGTCGCTCATCCAGGGTGAACATTCTTTCAGATTC[C>G]CAGGGGGCTTTGAGTCTTTGTTCATTTTTAAAAGTAGCATGTTGGTAATGTCGTTGAAGT-3'
Protein context (NP_008835.5, residues 3668-3688): LKMNKDSKPP[Gly3678Ala]NLKECSPWMS

ClinVar aggregate classification (germline): Uncertain significance (1 of 4 stars; one submission).

gnomAD v4.1: 5 of 1,613,844 alleles (0.00031%); highest among the groups gnomAD compares: Non-Finnish European, 0.00042%; no homozygotes.

Submission:

Ambry Genetics
Classification: Uncertain significance. Last evaluated: 2022-10-03. Review status: criteria provided, single submitter. Criteria: Ambry Variant Classification Scheme 2023. Collection method: clinical testing. Allele origin: germline.
Comment: The p.G3678A variant (also known as c.11033G>C), located in coding exon 77 of the PRKDC gene, results from a G to C substitution at nucleotide position 11033. The glycine at codon 3678 is replaced by alanine, an amino acid with similar properties. This amino acid position is conserved. Since supporting evidence is limited at this time, the clinical significance of this alteration remains unclear.